The following is an entry in ClinVar:

ClinVar aggregate classification (germline): Uncertain significance (1 of 4 stars; one submission).

Allele frequency attached by ClinVar (database versions not stated): TOPMed below 0.00001.
gnomAD v4.1: 4 of 1,614,186 alleles (0.00025%); highest among the groups gnomAD compares: South Asian, 0.0011%; no homozygotes.

Submission:

Labcorp Genetics (formerly Invitae), Labcorp
Classification: Uncertain significance. Last evaluated: 2024-11-11. Review status: criteria provided, single submitter. Criteria: Invitae Variant Classification Sherloc (09022015). Collection method: clinical testing. Allele origin: germline.
Comment: This sequence change replaces tryptophan, which is neutral and slightly polar, with leucine, which is neutral and non-polar, at codon 118 of the CA4 protein (p.Trp118Leu). This variant is present in population databases (no rsID available, gnomAD 0.003%). This variant has not been reported in the literature in individuals affected with CA4-related conditions. ClinVar contains an entry for this variant (Variation ID: 2077195). Invitae Evidence Modeling of protein sequence and biophysical properties (such as structural, functional, and spatial information, amino acid conservation, physicochemical variation, residue mobility, and thermodynamic stability) indicates that this missense variant is expected to disrupt CA4 protein function with a positive predictive value of 80%. In summary, the available evidence is currently insufficient to determine the role of this variant in disease. Therefore, it has been classified as a Variant of Uncertain Significance.

NM_000717.5(CA4):c.353G>T (p.Trp118Leu)

Gene: CA4 (carbonic anhydrase 4; plus strand). Cytogenetic location: 17q23.1.
Variant type: single nucleotide variant.
Coding change: c.353G>T on transcript NM_000717.5 (MANE Select); coding-DNA position 353, G replaced by T.
Protein change: p.Trp118Leu; replaces tryptophan 118 with leucine.
Molecular consequence: missense variant. On other transcripts: non-coding transcript variant (1).
Genome position (GRCh38, 1-based): chr17:60,157,511, G>T. VCF-style: chr17-60157511-G-T. GRCh37 (hg19) VCF-style: chr17-58234872-G-T.
Other names: short protein forms W118L.
Identifiers: ClinVar variation 2077195 (VCV002077195.4), dbSNP rs758082437, ClinGen allele CA400455017.